The following is an entry in ClinVar:

NM_198053.3(CD247):c.121A>G (p.Ile41Val)

Gene: CD247 (CD247 molecule; minus strand). Cytogenetic location: 1q24.2.
Variant type: single nucleotide variant.
Coding change: c.121A>G on transcript NM_198053.3 (MANE Select); coding-DNA position 121, A replaced by G.
Protein change: p.Ile41Val; replaces isoleucine 41 with valine.
Molecular consequence: missense variant.
Genome position (GRCh38, 1-based): chr1:167,440,705, T>C on the plus strand (A>G on the coding strand, the complement: CD247 is on the minus strand). VCF-style: chr1-167440705-T-C. GRCh37 (hg19) VCF-style: chr1-167409942-T-C.
Other names: c.121A>G, p.Ile41Val (NM_000734.4); c.214A>G, p.Ile72Val (NM_001378515.1, NM_001378516.1); short protein forms I41V, I72V.
Identifiers: ClinVar variation 4881701 (VCV004881701.2).

ClinVar aggregate classification (germline): Uncertain significance (1 of 4 stars; one submission).

Submission:

Dasa
Classification: Uncertain significance. Last evaluated: 2025-10-09. Review status: criteria provided, single submitter. Criteria: DASA Assertion Criteria. Collection method: clinical testing. Allele origin: germline.
Comment: NM_198053.3(CD247):c.121A>G (p.Ile41Val) is a missense variant that results in the substitution of isoleucine with valine. This variant is absent from population databases. Computational prediction algorithms are consistent with a benign effect. The currently available literature and clinical evidence are not sufficient to establish a definitive association between this variant and the reported condition. Therefore, this variant is classified as a variant of uncertain significance.